The following is an entry in ClinVar:

NM_001737.5(C9):c.546C>A (p.Asn182Lys)

Gene: C9 (complement C9; minus strand). Cytogenetic location: 5p13.1.
Variant type: single nucleotide variant.
Coding change: c.546C>A on transcript NM_001737.5 (MANE Select); coding-DNA position 546, C replaced by A.
Protein change: p.Asn182Lys; replaces asparagine 182 with lysine.
Molecular consequence: missense variant.
Genome position (GRCh38, 1-based): chr5:39,331,745, G>T on the plus strand (C>A on the coding strand, the complement: C9 is on the minus strand). VCF-style: chr5-39331745-G-T. GRCh37 (hg19) VCF-style: chr5-39331847-G-T.
Other names: c.546C>A (NM_001737.3); short protein forms N182K.
Identifiers: ClinVar variation 1374629 (VCV001374629.9), dbSNP rs776118284, ClinGen allele CA359561634.

ClinVar aggregate classification (germline): Uncertain significance. Review status: criteria provided, multiple submitters, no conflicts (2 of 4 stars). 2 submissions from 2 submitters: Uncertain significance (2). Last evaluated 2024-11-12.

Conditions:
Inborn genetic diseases. Identifiers: MedGen C0950123, MeSH D030342.

Submissions (2):

Ambry Genetics
Classification: Uncertain significance for Inborn genetic diseases. Last evaluated: 2024-11-12. Review status: criteria provided, single submitter. Criteria: Ambry Variant Classification Scheme 2023. Collection method: clinical testing. Allele origin: germline.

Labcorp Genetics (formerly Invitae), Labcorp
Classification: Uncertain significance. Last evaluated: 2024-10-22. Review status: criteria provided, single submitter. Criteria: Invitae Variant Classification Sherloc (09022015). Collection method: clinical testing. Allele origin: germline.
Comment: This sequence change replaces asparagine, which is neutral and polar, with lysine, which is basic and polar, at codon 182 of the C9 protein (p.Asn182Lys). This variant is not present in population databases (gnomAD no frequency). This variant has not been reported in the literature in individuals affected with C9-related conditions. ClinVar contains an entry for this variant (Variation ID: 1374629). Invitae Evidence Modeling of protein sequence and biophysical properties (such as structural, functional, and spatial information, amino acid conservation, physicochemical variation, residue mobility, and thermodynamic stability) indicates that this missense variant is not expected to disrupt C9 protein function with a negative predictive value of 80%. In summary, the available evidence is currently insufficient to determine the role of this variant in disease. Therefore, it has been classified as a Variant of Uncertain Significance.